The following is an entry in ClinVar:

ClinVar aggregate classification (germline): Benign/Likely benign. Review status: criteria provided, multiple submitters, no conflicts (2 of 4 stars). 3 submissions from 3 submitters: Benign (1); Likely benign (2). Last evaluated 2025-09-07.

Conditions:
MEGF8-related Carpenter syndrome. Also called: Carpenter syndrome 2. Identifiers: Orphanet 65759, MedGen C3554247, MONDO:0013998, OMIM 614976.
MEGF8-related disorder. Also called: MEGF8-related condition.

Allele frequency attached by ClinVar (database versions not stated): gnomAD 0.00005 and 0.00006.
gnomAD v4.1: 242 of 1,609,736 alleles (0.015%); highest among the groups gnomAD compares: Middle Eastern, 0.049%; 3 homozygotes.

Submissions (3):

Labcorp Genetics (formerly Invitae), Labcorp
Classification: Benign for MEGF8-related Carpenter syndrome. Last evaluated: 2025-09-07. Review status: criteria provided, single submitter. Criteria: Invitae Variant Classification Sherloc (09022015). Collection method: clinical testing. Allele origin: germline.

PreventionGenetics, part of Exact Sciences
Classification: Likely benign for MEGF8-related condition. Last evaluated: 2025-02-08. Review status: criteria provided, single submitter. Criteria: ACMG Guidelines, 2015. Collection method: clinical testing. Allele origin: germline.
Comment: This variant is classified as likely benign based on ACMG/AMP sequence variant interpretation guidelines (Richards et al. 2015 PMID: 25741868, with internal and published modifications).

Blueprint Genetics
Classification: Likely benign. Last evaluated: 2024-11-14. Review status: criteria provided, single submitter. Criteria: ACMG Guidelines, 2015. Collection method: clinical testing. Allele origin: germline.

NM_001271938.2(MEGF8):c.1116C>T (p.Ser372=)

Gene: MEGF8 (multiple EGF like domains 8; plus strand). Cytogenetic location: 19q13.2.
Variant type: single nucleotide variant.
Coding change: c.1116C>T on transcript NM_001271938.2 (MANE Select); coding-DNA position 1116, C replaced by T.
Protein change: p.Ser372=; no amino-acid change (serine 372 retained).
Molecular consequence: synonymous variant.
Genome position (GRCh38, 1-based): chr19:42,336,218, C>T. VCF-style: chr19-42336218-C-T. GRCh37 (hg19) VCF-style: chr19-42840370-C-T.
Other names: c.1116C>T (NM_001410.2); c.1116C>T, p.Ser372= (NM_001410.3).
Identifiers: ClinVar variation 1622407 (VCV001622407.10), dbSNP rs746659886, ClinGen allele CA9474347.